The following is an entry in ClinVar:

NM_000532.5(PCCB):c.1169C>T (p.Thr390Ile)

Gene: PCCB (propionyl-CoA carboxylase subunit beta; plus strand). Cytogenetic location: 3q22.3.
Variant type: single nucleotide variant.
Coding change: c.1169C>T on transcript NM_000532.5 (MANE Select); coding-DNA position 1169, C replaced by T.
Protein change: p.Thr390Ile; replaces threonine 390 with isoleucine.
Molecular consequence: missense variant.
Genome position (GRCh38, 1-based): chr3:136,326,881, C>T. VCF-style: chr3-136326881-C-T. GRCh37 (hg19) VCF-style: chr3-136045723-C-T.
Other names: c.1229C>T, p.Thr410Ile (NM_001178014.2); short protein forms T390I, T410I.
Identifiers: ClinVar variation 496027 (VCV000496027.5), dbSNP rs201880353, ClinGen allele CA2632030.

ClinVar aggregate classification (germline): Uncertain significance. Review status: criteria provided, multiple submitters, no conflicts (2 of 4 stars). 3 submissions from 3 submitters: Uncertain significance (2). 1 of the submissions does not count toward it. Last evaluated 2022-10-24.

Conditions:
Propionic acidemia (PROP). Also called: GLYCINEMIA, KETOTIC; HYPERGLYCINEMIA WITH KETOACIDOSIS AND LEUKOPENIA; KETOTIC HYPERGLYCINEMIA. Identifiers: Orphanet 35, MedGen C0268579, MONDO:0011628, OMIM 606054, HP:0003571.

Allele frequency attached by ClinVar (database versions not stated): TOPMed 0.00004; ExAC 0.00010.
gnomAD v4.1: 49 of 1,612,134 alleles (0.003%); highest among the groups gnomAD compares: Admixed American, 0.08%; 1 homozygote.

Submissions (3):

Labcorp Genetics (formerly Invitae), Labcorp
Classification: Uncertain significance for Propionic acidemia. Last evaluated: 2022-10-24. Review status: criteria provided, single submitter. Criteria: Invitae Variant Classification Sherloc (09022015). Collection method: clinical testing. Allele origin: germline.
Comment: This sequence change replaces threonine, which is neutral and polar, with isoleucine, which is neutral and non-polar, at codon 390 of the PCCB protein (p.Thr390Ile). This variant is present in population databases (rs201880353, gnomAD 0.1%). This variant has not been reported in the literature in individuals affected with PCCB-related conditions. ClinVar contains an entry for this variant (Variation ID: 496027). Algorithms developed to predict the effect of missense changes on protein structure and function (SIFT, PolyPhen-2, Align-GVGD) all suggest that this variant is likely to be disruptive. In summary, the available evidence is currently insufficient to determine the role of this variant in disease. Therefore, it has been classified as a Variant of Uncertain Significance.

Women's Health and Genetics/Laboratory Corporation of America, LabCorp
Classification: Uncertain significance. Last evaluated: 2016-08-09. Review status: criteria provided, single submitter. Criteria: LabCorp Variant Classification Summary - May 2015. Collection method: clinical testing. Allele origin: germline.
Comment: Variant Summary: The variant of interest causes a missense change involving a conserved nucleotide with 4/4 in silico programs predicting a "deleterious" outcome (SNPs&GO not captured here due to low reliability index), although these predictions have yet to be functionally assessed. The variant of interest has been observed in a large, broad control population, ExAC with an allele frequency of 12/121394 chromosomes (1/10116), predominantly in the Latino cohort with an allele frequency of 12/11578 (1/965), which does not exceed the maximum expected allele frequency for a pathogenic PCCB variant of 1/400. The variant of interest has not been reported in affected individuals via publications and/or reputable databases/clinical laboratories. Therefore, taking all lines of available evidence into consideration, the variant of interest is classified as a "variant of uncertain significance (VUS)," until additional information becomes available.

Natera, Inc.
Classification: Uncertain significance for Propionic acidemia. Last evaluated: 2020-02-21. Review status: no assertion criteria provided. Collection method: clinical testing. Allele origin: germline. Not counted in ClinVar's aggregate classification.

Literature cited by the submitters: PubMed 22863191 (cited by Women's Health and Genetics/Laboratory Corporation of America, LabCorp).